The following is an entry in ClinVar:

ClinVar aggregate classification (germline): Pathogenic (1 of 4 stars; one submission).

Conditions:
Macular corneal dystrophy (MCD). Also called: Macular corneal dystrophy Type I; GROENOUW TYPE II CORNEAL DYSTROPHY. Identifiers: Orphanet 98969, MedGen C1636149, MONDO:0009020, OMIM 217800.

gnomAD v4.1: 15 of 1,609,760 alleles (0.00093%); highest among the groups gnomAD compares: South Asian, 0.0011%; no homozygotes.

Submission:

Labcorp Genetics (formerly Invitae), Labcorp
Classification: Pathogenic for Macular corneal dystrophy. Last evaluated: 2025-09-16. Review status: criteria provided, single submitter. Criteria: Invitae Variant Classification Sherloc (09022015). Collection method: clinical testing. Allele origin: germline.
Comment: This sequence change replaces arginine, which is basic and polar, with glutamine, which is neutral and polar, at codon 205 of the CHST6 protein (p.Arg205Gln). This variant is present in population databases (rs377706989, gnomAD 0.003%). This missense change has been observed in individual(s) with macular corneal dystrophy (PMID: 14609920). Invitae Evidence Modeling of protein sequence and biophysical properties (such as structural, functional, and spatial information, amino acid conservation, physicochemical variation, residue mobility, and thermodynamic stability) indicates that this missense variant is expected to disrupt CHST6 protein function with a positive predictive value of 80%. This variant disrupts the p.Arg205 amino acid residue in CHST6. Other variant(s) that disrupt this residue have been observed in individuals with CHST6-related conditions (PMID: 12882769, 20539220), which suggests that this may be a clinically significant amino acid residue. For these reasons, this variant has been classified as Pathogenic.

Literature cited by the submitters: PubMed 14609920; PubMed 12882769; PubMed 20539220.

NM_021615.5(CHST6):c.614G>A (p.Arg205Gln)

Gene: CHST6 (carbohydrate sulfotransferase 6; minus strand). Cytogenetic location: 16q23.1.
Variant type: single nucleotide variant.
Coding change: c.614G>A on transcript NM_021615.5 (MANE Select); coding-DNA position 614, G replaced by A.
Protein change: p.Arg205Gln; replaces arginine 205 with glutamine.
Molecular consequence: missense variant.
Genome position (GRCh38, 1-based): chr16:75,479,215, C>T on the plus strand (G>A on the coding strand, the complement: CHST6 is on the minus strand). VCF-style: chr16-75479215-C-T. GRCh37 (hg19) VCF-style: chr16-75513113-C-T.
Other names: short protein forms R205Q.
Identifiers: ClinVar variation 4710277 (VCV004710277.1).